The following is an entry in ClinVar:

NM_002618.4(PEX13):c.130G>A (p.Gly44Arg)

Gene: PEX13 (peroxisomal biogenesis factor 13; plus strand). Cytogenetic location: 2p15.
Variant type: single nucleotide variant.
Coding change: c.130G>A on transcript NM_002618.4 (MANE Select); coding-DNA position 130, G replaced by A.
Protein change: p.Gly44Arg; replaces glycine 44 with arginine.
Molecular consequence: missense variant.
Genome position (GRCh38, 1-based): chr2:61,031,456, G>A. VCF-style: chr2-61031456-G-A. GRCh37 (hg19) VCF-style: chr2-61258591-G-A.
Other names: short protein forms G44R.
Identifiers: ClinVar variation 1058783 (VCV001058783.7), dbSNP rs1281056404, ClinGen allele CA346941078.

ClinVar aggregate classification (germline): Uncertain significance (1 of 4 stars; one submission).

Conditions:
Peroxisome biogenesis disorder 11A (Zellweger). Also called: Peroxisome biogenesis disorder 11A. Identifiers: Orphanet 912, MedGen C3554000, MONDO:0013949, OMIM 614883.

Allele frequency attached by ClinVar (database versions not stated): gnomAD exomes 0.00001; TOPMed 0.00002.

Submission:

Labcorp Genetics (formerly Invitae), Labcorp
Classification: Uncertain significance for Peroxisome biogenesis disorder 11A (Zellweger). Last evaluated: 2023-12-28. Review status: criteria provided, single submitter. Criteria: Invitae Variant Classification Sherloc (09022015). Collection method: clinical testing. Allele origin: germline.
Comment: This sequence change replaces glycine, which is neutral and non-polar, with arginine, which is basic and polar, at codon 44 of the PEX13 protein (p.Gly44Arg). This variant is present in population databases (no rsID available, gnomAD 0.01%). This variant has not been reported in the literature in individuals affected with PEX13-related conditions. ClinVar contains an entry for this variant (Variation ID: 1058783). Advanced modeling of protein sequence and biophysical properties (such as structural, functional, and spatial information, amino acid conservation, physicochemical variation, residue mobility, and thermodynamic stability) performed at Invitae indicates that this missense variant is not expected to disrupt PEX13 protein function with a negative predictive value of 80%. In summary, the available evidence is currently insufficient to determine the role of this variant in disease. Therefore, it has been classified as a Variant of Uncertain Significance.